The following is an entry in ClinVar:

ClinVar aggregate classification (germline): Uncertain significance (1 of 4 stars; one submission).

Conditions:
Peroxisome biogenesis disorder 11A (Zellweger). Also called: Peroxisome biogenesis disorder 11A. Identifiers: Orphanet 912, MedGen C3554000, MONDO:0013949, OMIM 614883.

Allele frequency attached by ClinVar (database versions not stated): gnomAD exomes below 0.00001; TOPMed below 0.00001; gnomAD 0.00001.
gnomAD v4.1: 2 of 1,614,016 alleles (0.00012%); highest among the groups gnomAD compares: African/African-American, 0.0027%; no homozygotes.

Submission:

Labcorp Genetics (formerly Invitae), Labcorp
Classification: Uncertain significance for Peroxisome biogenesis disorder 11A (Zellweger). Last evaluated: 2022-04-16. Review status: criteria provided, single submitter. Criteria: Invitae Variant Classification Sherloc (09022015). Collection method: clinical testing. Allele origin: germline.
Comment: This sequence change replaces asparagine, which is neutral and polar, with serine, which is neutral and polar, at codon 69 of the PEX13 protein (p.Asn69Ser). This variant is not present in population databases (gnomAD no frequency). This variant has not been reported in the literature in individuals affected with PEX13-related conditions. Algorithms developed to predict the effect of missense changes on protein structure and function (SIFT, PolyPhen-2, Align-GVGD) all suggest that this variant is likely to be tolerated. Algorithms developed to predict the effect of sequence changes on RNA splicing suggest that this variant may create or strengthen a splice site. In summary, the available evidence is currently insufficient to determine the role of this variant in disease. Therefore, it has been classified as a Variant of Uncertain Significance.

NM_002618.4(PEX13):c.206A>G (p.Asn69Ser)

Gene: PEX13 (peroxisomal biogenesis factor 13; plus strand). Cytogenetic location: 2p15.
Variant type: single nucleotide variant.
Coding change: c.206A>G on transcript NM_002618.4 (MANE Select); coding-DNA position 206, A replaced by G.
Protein change: p.Asn69Ser; replaces asparagine 69 with serine.
Molecular consequence: missense variant.
Genome position (GRCh38, 1-based): chr2:61,031,532, A>G. VCF-style: chr2-61031532-A-G. GRCh37 (hg19) VCF-style: chr2-61258667-A-G.
Other names: short protein forms N69S.
Identifiers: ClinVar variation 2125913 (VCV002125913.2), dbSNP rs1345007456, ClinGen allele CA346941557.
Genomic context (GRCh38, chr2:61,031,532, plus strand): 5'-CCAGAGTGCCCCCACCTATTCTTCCAAGGCCATCACAGCAGACAGGAAGTAGCAGTGTGA[A>G]CACTTTTAGACCTGCTTACAGTTCATTTTCTTCTGGATATGGTGCCTATGGAAATTCATT-3'
Protein context (NP_002609.1, residues 59-79): PSQQTGSSSV[Asn69Ser]TFRPAYSSFS